The following is an entry in ClinVar:

NM_000071.3(CBS):c.925G>A (p.Asp309Asn)

Gene: CBS (cystathionine beta-synthase; minus strand). Cytogenetic location: 21q22.3.
Variant type: single nucleotide variant.
Coding change: c.925G>A on transcript NM_000071.3 (MANE Select); coding-DNA position 925, G replaced by A.
Protein change: p.Asp309Asn; replaces aspartic acid 309 with asparagine.
Molecular consequence: missense variant.
Genome position (GRCh38, 1-based): chr21:43,062,982, C>T on the plus strand (G>A on the coding strand, the complement: CBS is on the minus strand). VCF-style: chr21-43062982-C-T. GRCh37 (hg19) VCF-style: chr21-44483092-C-T.
Other names: c.925G>A, p.Asp309Asn (NM_001178008.3, NM_001178009.3, NM_001320298.2); c.610G>A, p.Asp204Asn (NM_001321072.1); short protein forms D309N, D204N.
Identifiers: ClinVar variation 647516 (VCV000647516.5), dbSNP rs540013184, ClinGen allele CA321091315.

ClinVar aggregate classification (germline): Uncertain significance. Review status: criteria provided, multiple submitters, no conflicts (2 of 4 stars). 3 submissions from 3 submitters: Uncertain significance (2). 1 of the submissions does not count toward it. Last evaluated 2024-06-15.

Conditions:
Familial thoracic aortic aneurysm and aortic dissection (TAAD). Also called: Thoracic aortic aneurysms and dissections. Identifiers: Orphanet 91387, MedGen C4707243, MONDO:0019625.
Classic homocystinuria. Also called: Homocystinuria due to Cystathionine Beta-Synthase Deficiency; HOMOCYSTINURIA WITH OR WITHOUT RESPONSE TO PYRIDOXINE; Homocystinuria due to CBS deficiency; Cystathionine beta-synthase deficiency; CBS deficiency. Identifiers: Orphanet 394, MedGen C0751202, MONDO:0009352, OMIM 236200.
HYPERHOMOCYSTEINEMIA, THROMBOTIC, CBS-RELATED. Identifiers: MedGen C3150344, OMIM 236200.

Allele frequency attached by ClinVar (database versions not stated): gnomAD exomes 0.00002; ExAC 0.00003; 1000 Genomes Project 0.00020.

Submissions (3):

Ambry Genetics
Classification: Uncertain significance for Familial thoracic aortic aneurysm and aortic dissection. Last evaluated: 2024-06-15. Review status: criteria provided, single submitter. Criteria: Ambry Variant Classification Scheme 2023. Collection method: clinical testing. Allele origin: germline.
Comment: The p.D309N variant (also known as c.925G>A), located in coding exon 8 of the CBS gene, results from a G to A substitution at nucleotide position 925. The aspartic acid at codon 309 is replaced by asparagine, an amino acid with highly similar properties. This amino acid position is conserved. In addition, the in silico prediction for this alteration is inconclusive. Based on the available evidence, the clinical significance of this variant remains unclear.

Labcorp Genetics (formerly Invitae), Labcorp
Classification: Uncertain significance for HYPERHOMOCYSTEINEMIA, THROMBOTIC, CBS-RELATED. Last evaluated: 2021-08-20. Review status: criteria provided, single submitter. Criteria: Invitae Variant Classification Sherloc (09022015). Collection method: clinical testing. Allele origin: germline.
Comment: This sequence change replaces aspartic acid with asparagine at codon 309 of the CBS protein (p.Asp309Asn). The aspartic acid residue is highly conserved and there is a small physicochemical difference between aspartic acid and asparagine. This variant is present in population databases (rs540013184, ExAC 0.02%). This variant has not been reported in the literature in individuals affected with CBS-related conditions. Algorithms developed to predict the effect of missense changes on protein structure and function are either unavailable or do not agree on the potential impact of this missense change (SIFT: "Deleterious"; PolyPhen-2: "Probably Damaging"; Align-GVGD: "Class C0"). In summary, the available evidence is currently insufficient to determine the role of this variant in disease. Therefore, it has been classified as a Variant of Uncertain Significance.

Natera, Inc.
Classification: Uncertain significance for Homocystinuria due to cystathionine beta-synthase deficiency. Last evaluated: 2020-09-16. Review status: no assertion criteria provided. Collection method: clinical testing. Allele origin: germline. Not counted in ClinVar's aggregate classification.